The following is an entry in ClinVar:

ClinVar aggregate classification (germline): Uncertain significance (1 of 4 stars; one submission).

gnomAD v4.1: 2 of 1,605,586 alleles (0.00012%); highest among the groups gnomAD compares: Non-Finnish European, 0.00017%; no homozygotes.

Submission:

GeneDx
Classification: Uncertain significance. Last evaluated: 2025-09-10. Review status: criteria provided, single submitter. Criteria: GeneDx Variant Classification Process June 2021. Collection method: clinical testing. Allele origin: germline. Affected: yes.
Comment: Not observed at significant frequency in large population cohorts (gnomAD); In silico analysis supports a deleterious effect on splicing; Has not been previously published as pathogenic or benign to our knowledge

NM_000393.5(COL5A2):c.1105-4A>G

Gene: COL5A2 (collagen type V alpha 2 chain; minus strand). Cytogenetic location: 2q32.2.
Variant type: single nucleotide variant.
Coding change: c.1105-4A>G on transcript NM_000393.5 (MANE Select); 4 bases into the intron before coding-DNA position 1105, A replaced by G.
Molecular consequence: intron variant.
Genome position (GRCh38, 1-based): chr2:189,072,097, T>C on the plus strand (A>G on the coding strand, the complement: COL5A2 is on the minus strand). VCF-style: chr2-189072097-T-C. GRCh37 (hg19) VCF-style: chr2-189936823-T-C.
Identifiers: ClinVar variation 4813373 (VCV004813373.1).